The following is an entry in ClinVar:

NM_025099.6(CTC1):c.20A>T (p.Gln7Leu)

Genes: CTC1 (CST telomere replication complex component 1; minus strand), PFAS (phosphoribosylformylglycinamidine synthase; plus strand). Cytogenetic location: 17p13.1.
Variant type: single nucleotide variant.
Coding change: c.20A>T on transcript NM_025099.6 (MANE Select); coding-DNA position 20, A replaced by T.
Protein change: p.Gln7Leu; replaces glutamine 7 with leucine.
Molecular consequence: missense variant. On other transcripts: non-coding transcript variant (1).
Genome position (GRCh38, 1-based): chr17:8,248,017, T>A on the plus strand (A>T on the coding strand, the complement: CTC1 is on the minus strand). VCF-style: chr17-8248017-T-A. GRCh37 (hg19) VCF-style: chr17-8151335-T-A.
Other names: c.20A>T, p.Gln7Leu (NM_001411067.1); short protein forms Q7L.
Identifiers: ClinVar variation 3723291 (VCV003723291.2).

ClinVar aggregate classification (germline): Uncertain significance (1 of 4 stars; one submission).

Conditions:
Dyskeratosis congenita. Identifiers: Orphanet 1775, MedGen C0265965, MONDO:0015780.

Submission:

Labcorp Genetics (formerly Invitae), Labcorp
Classification: Uncertain significance for Dyskeratosis congenita. Last evaluated: 2024-10-19. Review status: criteria provided, single submitter. Criteria: Invitae Variant Classification Sherloc (09022015). Collection method: clinical testing. Allele origin: germline.
Comment: This sequence change replaces glutamine, which is neutral and polar, with leucine, which is neutral and non-polar, at codon 7 of the CTC1 protein (p.Gln7Leu). This variant is not present in population databases (gnomAD no frequency). This variant has not been reported in the literature in individuals affected with CTC1-related conditions. An algorithm developed to predict the effect of missense changes on protein structure and function (PolyPhen-2) suggests that this variant is likely to be tolerated. In summary, the available evidence is currently insufficient to determine the role of this variant in disease. Therefore, it has been classified as a Variant of Uncertain Significance.